The following is an entry in ClinVar:

NM_001003841.3(SLC6A19):c.1448C>T (p.Ser483Phe)

Gene: SLC6A19 (solute carrier family 6 member 19; plus strand). Cytogenetic location: 5p15.33.
Variant type: single nucleotide variant.
Coding change: c.1448C>T on transcript NM_001003841.3 (MANE Select); coding-DNA position 1448, C replaced by T.
Protein change: p.Ser483Phe; replaces serine 483 with phenylalanine.
Molecular consequence: missense variant.
Genome position (GRCh38, 1-based): chr5:1,219,574, C>T. VCF-style: chr5-1219574-C-T. GRCh37 (hg19) VCF-style: chr5-1219689-C-T.
Other names: short protein forms S483F.
Identifiers: ClinVar variation 1368448 (VCV001368448.6), dbSNP rs778071659, ClinGen allele CA3183171.

ClinVar aggregate classification (germline): Uncertain significance (1 of 4 stars; one submission).

Allele frequency attached by ClinVar (database versions not stated): TOPMed below 0.00001; ExAC 0.00001; gnomAD exomes 0.00001.
gnomAD v4.1: 4 of 1,612,112 alleles (0.00025%); highest among the groups gnomAD compares: East Asian, 0.0022%; no homozygotes.

Submission:

Labcorp Genetics (formerly Invitae), Labcorp
Classification: Uncertain significance. Last evaluated: 2022-11-22. Review status: criteria provided, single submitter. Criteria: Invitae Variant Classification Sherloc (09022015). Collection method: clinical testing. Allele origin: germline.
Comment: In summary, the available evidence is currently insufficient to determine the role of this variant in disease. Therefore, it has been classified as a Variant of Uncertain Significance. Advanced modeling of protein sequence and biophysical properties (such as structural, functional, and spatial information, amino acid conservation, physicochemical variation, residue mobility, and thermodynamic stability) performed at Invitae indicates that this missense variant is not expected to disrupt SLC6A19 protein function. ClinVar contains an entry for this variant (Variation ID: 1368448). This variant has not been reported in the literature in individuals affected with SLC6A19-related conditions. This variant is present in population databases (rs778071659, gnomAD 0.01%). This sequence change replaces serine, which is neutral and polar, with phenylalanine, which is neutral and non-polar, at codon 483 of the SLC6A19 protein (p.Ser483Phe).